The following is an entry in ClinVar:

NM_001206927.2(DNAH8):c.2480G>A (p.Arg827Gln)

Gene: DNAH8 (dynein axonemal heavy chain 8; plus strand). Cytogenetic location: 6p21.2.
Variant type: single nucleotide variant.
Coding change: c.2480G>A on transcript NM_001206927.2 (MANE Select); coding-DNA position 2480, G replaced by A.
Protein change: p.Arg827Gln; replaces arginine 827 with glutamine.
Molecular consequence: missense variant.
Genome position (GRCh38, 1-based): chr6:38,786,849, G>A. VCF-style: chr6-38786849-G-A. GRCh37 (hg19) VCF-style: chr6-38754625-G-A.
Other names: c.1829G>A, p.Arg610Gln (NM_001371.4); short protein forms R610Q, R827Q.
Identifiers: ClinVar variation 1044916 (VCV001044916.5), dbSNP rs765369792, ClinGen allele CA3788526.

ClinVar aggregate classification (germline): Uncertain significance (1 of 4 stars; one submission).

Conditions:
Primary ciliary dyskinesia. Also called: Ciliary dyskinesia. Identifiers: Orphanet 244, MedGen C0008780, MONDO:0016575, HP:0012265.

Allele frequency attached by ClinVar (database versions not stated): gnomAD exomes 0.00003 and 0.00001; TOPMed 0.00004; ExAC 0.00002; gnomAD 0.00002.
gnomAD v4.1: 20 of 1,613,088 alleles (0.0012%); highest among the groups gnomAD compares: Admixed American, 0.017%; no homozygotes.

Submission:

Labcorp Genetics (formerly Invitae), Labcorp
Classification: Uncertain significance for Primary ciliary dyskinesia. Last evaluated: 2023-08-04. Review status: criteria provided, single submitter. Criteria: Invitae Variant Classification Sherloc (09022015). Collection method: clinical testing. Allele origin: germline.
Comment: This sequence change replaces arginine, which is basic and polar, with glutamine, which is neutral and polar, at codon 827 of the DNAH8 protein (p.Arg827Gln). This variant is present in population databases (rs765369792, gnomAD 0.02%). This variant has not been reported in the literature in individuals affected with DNAH8-related conditions. ClinVar contains an entry for this variant (Variation ID: 1044916). Experimental studies and prediction algorithms are not available or were not evaluated, and the functional significance of this variant is currently unknown. In summary, the available evidence is currently insufficient to determine the role of this variant in disease. Therefore, it has been classified as a Variant of Uncertain Significance.